The following is an entry in ClinVar:

NM_000051.4(ATM):c.5521G>C (p.Val1841Leu)

Gene: ATM (ATM serine/threonine kinase; plus strand). Cytogenetic location: 11q22.3.
Variant type: single nucleotide variant.
Coding change: c.5521G>C on transcript NM_000051.4 (MANE Select); coding-DNA position 5521, G replaced by C.
Protein change: p.Val1841Leu; replaces valine 1841 with leucine.
Molecular consequence: missense variant.
Genome position (GRCh38, 1-based): chr11:108,304,699, G>C. VCF-style: chr11-108304699-G-C. GRCh37 (hg19) VCF-style: chr11-108175426-G-C.
Other names: c.5521G>C, p.Val1841Leu (NM_001351834.2); short protein forms V1841L.
Identifiers: ClinVar variation 2453929 (VCV002453929.2), dbSNP rs1565481593, ClinGen allele CA382545801.

ClinVar aggregate classification (germline): Uncertain significance (1 of 4 stars; one submission).

Conditions:
Hereditary cancer-predisposing syndrome. Also called: Neoplastic Syndromes, Hereditary; Hereditary neoplastic syndrome; Tumor predisposition; Hereditary Cancer Syndrome. Identifiers: Orphanet 140162, MedGen C0027672, MeSH D009386, MONDO:0015356.

gnomAD v4.1: 1 of 1,613,858 alleles (0.000062%); highest among the groups gnomAD compares: Non-Finnish European, 0.000085%; no homozygotes.

Submission:

Ambry Genetics
Classification: Uncertain significance for Hereditary cancer-predisposing syndrome. Last evaluated: 2022-11-17. Review status: criteria provided, single submitter. Criteria: Ambry Variant Classification Scheme 2023. Collection method: clinical testing. Allele origin: germline.
Comment: The p.V1841L variant (also known as c.5521G>C), located in coding exon 36 of the ATM gene, results from a G to C substitution at nucleotide position 5521. The valine at codon 1841 is replaced by leucine, an amino acid with highly similar properties. This amino acid position is conserved. In addition, this alteration is predicted to be tolerated by in silico analysis. Since supporting evidence is limited at this time, the clinical significance of this alteration remains unclear.